The following is an entry in ClinVar:

NM_000113.3(TOR1A):c.373A>C (p.Asn125His)

Gene: TOR1A (torsin family 1 member A; minus strand). Cytogenetic location: 9q34.11.
Variant type: single nucleotide variant.
Coding change: c.373A>C on transcript NM_000113.3 (MANE Select); coding-DNA position 373, A replaced by C.
Protein change: p.Asn125His; replaces asparagine 125 with histidine.
Molecular consequence: missense variant.
Genome position (GRCh38, 1-based): chr9:129,822,652, T>G on the plus strand (A>C on the coding strand, the complement: TOR1A is on the minus strand). VCF-style: chr9-129822652-T-G. GRCh37 (hg19) VCF-style: chr9-132584931-T-G.
Other names: short protein forms N125H.
Identifiers: ClinVar variation 640392 (VCV000640392.10), dbSNP rs1588218408, ClinGen allele CA375176889.
Genomic context (GRCh38, chr9:129,822,652, plus strand): 5'-TGATGTTTGAAGCATGTGGAAAGTGCAATGTGGCCACAAACAGGTGGACATAGTCACTGT[T>G]CAGACCACCCTCGTAAATATTCTCTGCGATGATCTTGCTGACGAAATTTTTGCCGGTGCC-3'
Protein context (NP_000104.1, residues 115-135): IAENIYEGGL[Asn125His]SDYVHLFVAT

ClinVar aggregate classification (germline): Uncertain significance (1 of 4 stars; one submission).

Conditions:
Dystonic disorder. Also called: Dystonia. Identifiers: MedGen C0013421, MONDO:0003441, HP:0001332.

Submission:

Labcorp Genetics (formerly Invitae), Labcorp
Classification: Uncertain significance for Dystonic disorder. Last evaluated: 2019-01-12. Review status: criteria provided, single submitter. Criteria: Invitae Variant Classification Sherloc (09022015). Collection method: clinical testing. Allele origin: germline.
Comment: This variant is not present in population databases (ExAC no frequency). This sequence change replaces asparagine with histidine at codon 125 of the TOR1A protein (p.Asn125His). The asparagine residue is moderately conserved and there is a small physicochemical difference between asparagine and histidine. This variant has not been reported in the literature in individuals with TOR1A-related disease. Algorithms developed to predict the effect of missense changes on protein structure and function output the following: SIFT: "Tolerated"; PolyPhen-2: "Benign"; Align-GVGD: "Class C0". The histidine amino acid residue is found in multiple mammalian species, suggesting that this missense change does not adversely affect protein function. These predictions have not been confirmed by published functional studies and their clinical significance is uncertain. In summary, the available evidence is currently insufficient to determine the role of this variant in disease. Therefore, it has been classified as a Variant of Uncertain Significance.